The following is an entry in ClinVar:

NM_005502.4(ABCA1):c.4402G>T (p.Asp1468Tyr)

Gene: ABCA1 (ATP binding cassette subfamily A member 1; minus strand). Cytogenetic location: 9q31.1.
Variant type: single nucleotide variant.
Coding change: c.4402G>T on transcript NM_005502.4 (MANE Select); coding-DNA position 4402, G replaced by T.
Protein change: p.Asp1468Tyr; replaces aspartic acid 1468 with tyrosine.
Molecular consequence: missense variant.
Genome position (GRCh38, 1-based): chr9:104,806,303, C>A on the plus strand (G>T on the coding strand, the complement: ABCA1 is on the minus strand). VCF-style: chr9-104806303-C-A. GRCh37 (hg19) VCF-style: chr9-107568584-C-A.
Other names: short protein forms D1468Y.
Identifiers: ClinVar variation 1713514 (VCV001713514.5), dbSNP rs1830757611, ClinGen allele CA374315575.

ClinVar aggregate classification (germline): Uncertain significance (1 of 4 stars; one submission).

Submission:

Labcorp Genetics (formerly Invitae), Labcorp
Classification: Uncertain significance. Last evaluated: 2022-11-01. Review status: criteria provided, single submitter. Criteria: Invitae Variant Classification Sherloc (09022015). Collection method: clinical testing. Allele origin: germline.
Comment: In summary, the available evidence is currently insufficient to determine the role of this variant in disease. Therefore, it has been classified as a Variant of Uncertain Significance. Advanced modeling of protein sequence and biophysical properties (such as structural, functional, and spatial information, amino acid conservation, physicochemical variation, residue mobility, and thermodynamic stability) performed at Invitae indicates that this missense variant is not expected to disrupt ABCA1 protein function. This variant has not been reported in the literature in individuals affected with ABCA1-related conditions. This variant is not present in population databases (gnomAD no frequency). This sequence change replaces aspartic acid, which is acidic and polar, with tyrosine, which is neutral and polar, at codon 1468 of the ABCA1 protein (p.Asp1468Tyr).